The following is an entry in ClinVar:

NM_021831.6(AGBL5):c.895C>T (p.Arg299Trp)

Gene: AGBL5 (AGBL carboxypeptidase 5; plus strand). Cytogenetic location: 2p23.3.
Variant type: single nucleotide variant.
Coding change: c.895C>T on transcript NM_021831.6 (MANE Select); coding-DNA position 895, C replaced by T.
Protein change: p.Arg299Trp; replaces arginine 299 with tryptophan.
Molecular consequence: missense variant. On other transcripts: non-coding transcript variant (2).
Genome position (GRCh38, 1-based): chr2:27,055,240, C>T. VCF-style: chr2-27055240-C-T. GRCh37 (hg19) VCF-style: chr2-27278108-C-T.
Other names: c.895C>T, p.Arg299Trp (NM_001035507.3); short protein forms R299W.
Identifiers: ClinVar variation 1525532 (VCV001525532.8), dbSNP rs1668370122, ClinGen allele CA346175841.

ClinVar aggregate classification (germline): Uncertain significance (1 of 4 stars; one submission).

Allele frequency attached by ClinVar (database versions not stated): gnomAD exomes below 0.00001; TOPMed below 0.00001.

Submission:

Labcorp Genetics (formerly Invitae), Labcorp
Classification: Uncertain significance. Last evaluated: 2022-01-13. Review status: criteria provided, single submitter. Criteria: Invitae Variant Classification Sherloc (09022015). Collection method: clinical testing. Allele origin: germline.
Comment: This variant has not been reported in the literature in individuals affected with AGBL5-related conditions. This variant is not present in population databases (gnomAD no frequency). This sequence change replaces arginine, which is basic and polar, with tryptophan, which is neutral and slightly polar, at codon 299 of the AGBL5 protein (p.Arg299Trp). Algorithms developed to predict the effect of missense changes on protein structure and function are either unavailable or do not agree on the potential impact of this missense change (SIFT: "Deleterious"; PolyPhen-2: "Probably Damaging"; Align-GVGD: "Class C15"). In summary, the available evidence is currently insufficient to determine the role of this variant in disease. Therefore, it has been classified as a Variant of Uncertain Significance.